The following is an entry in ClinVar:

ClinVar aggregate classification (germline): Conflicting classifications of pathogenicity. Review status: criteria provided, conflicting classifications (1 of 4 stars). 3 submissions from 3 submitters: Uncertain significance (2); Likely benign (1). Last evaluated 2026-08-10.

Conditions:
Cardiovascular phenotype. Identifiers: MedGen CN230736.
Primary familial dilated cardiomyopathy (FDC). Also called: Familial dilated cardiomyopathy; Hypokinetic dilated cardiomyopathy, familial. Identifiers: Orphanet 217607, MedGen C0340427, MONDO:0016333.

Allele frequency attached by ClinVar (database versions not stated): TOPMed 0.00002.
gnomAD v4.1: 15 of 1,551,540 alleles (0.00097%); highest among the groups gnomAD compares: Non-Finnish European, 0.0013%; no homozygotes.

Submissions (3):

Ambry Genetics
Classification: Uncertain significance for Cardiovascular phenotype. Last evaluated: 2026-08-10. Review status: criteria provided, single submitter. Criteria: Ambry Variant Classification Scheme 2023. Collection method: clinical testing. Allele origin: germline.
Comment: The p.L1082P variant (also known as c.3245T>C), located in coding exon 11 of the RBM20 gene, results from a T to C substitution at nucleotide position 3245. The leucine at codon 1082 is replaced by proline, an amino acid with similar properties. This amino acid position is conserved. In addition, this alteration is predicted to be tolerated by in silico analysis. Based on the available evidence, the clinical significance of this variant remains unclear.

Blueprint Genetics
Classification: Likely benign. Last evaluated: 2024-08-20. Review status: criteria provided, single submitter. Criteria: ACMG Guidelines, 2015. Collection method: clinical testing. Allele origin: germline.

Molecular Diagnostic Laboratory for Inherited Cardiovascular Disease, Montreal Heart Institute
Classification: Uncertain significance for Familial dilated cardiomyopathy. Review status: criteria provided, single submitter. Criteria: ACMG Guidelines, 2015. Collection method: clinical testing. Allele origin: germline. Affected: yes.

NM_001134363.3(RBM20):c.3245T>C (p.Leu1082Pro)

Gene: RBM20 (RNA binding motif protein 20; plus strand). Cytogenetic location: 10q25.2.
Variant type: single nucleotide variant.
Coding change: c.3245T>C on transcript NM_001134363.3 (MANE Select); coding-DNA position 3245, T replaced by C.
Protein change: p.Leu1082Pro; replaces leucine 1082 with proline.
Molecular consequence: missense variant.
Genome position (GRCh38, 1-based): chr10:110,821,864, T>C. VCF-style: chr10-110821864-T-C. GRCh37 (hg19) VCF-style: chr10-112581622-T-C.
Other names: c.3245T>C (NM_001134363.1); short protein forms L1082P.
Identifiers: ClinVar variation 684848 (VCV000684848.4), dbSNP rs878854252, ClinGen allele CA378382182.
Genomic context (GRCh38, chr10:110,821,864, plus strand): 5'-TTGTGGATGATTGCAAGACCAGGGGGACCCCCGAAGATGGGGCTTGTGAAGGCAGCCCCC[T>C]GGAGGAGAAAGCCAGCCCCCCCATCGAAACTGACCTCCAAAACCAAGCTTGCCAAGAAGT-3'
Protein context (NP_001127835.2, residues 1072-1092): PEDGACEGSP[Leu1082Pro]EEKASPPIET